The following is an entry in ClinVar:

NM_001350919.3(GOLGA8G):c.21C>G (p.Leu7=)

Gene: GOLGA8G (golgin A8 family member G; minus strand). Cytogenetic location: 15q13.1.
Variant type: single nucleotide variant.
Coding change: c.21C>G on transcript NM_001350919.3 (MANE Select); coding-DNA position 21, C replaced by G.
Protein change: p.Leu7=; no amino-acid change (leucine 7 retained).
Molecular consequence: synonymous variant. On other transcripts: 5 prime UTR variant (2).
Genome position (GRCh38, 1-based): chr15:28,532,889, G>C on the plus strand (C>G on the coding strand, the complement: GOLGA8G is on the minus strand). VCF-style: chr15-28532889-G-C. GRCh37 (hg19) VCF-style: chr15-28778035-G-C.
Other names: c.-907C>G (NM_001368078.2, NM_001368080.2).
Identifiers: ClinVar variation 3778113 (VCV003778113.7).

ClinVar aggregate classification (germline): Likely benign (1 of 4 stars; one submission).

Submission:

CeGaT Center for Human Genetics Tuebingen
Classification: Likely benign. Last evaluated: 2025-03-01. Review status: criteria provided, single submitter. Criteria: CeGaT Center For Human Genetics Tuebingen Variant Classification Criteria Version 2. Collection method: clinical testing. Allele origin: germline. Affected: yes. Observed: 1 variant allele.
Comment: GOLGA8G: BP4, BP7